The following is an entry in ClinVar:

NM_001903.5(CTNNA1):c.1607A>T (p.Asp536Val)

Gene: CTNNA1 (catenin alpha 1; plus strand). Cytogenetic location: 5q31.2.
Variant type: single nucleotide variant.
Coding change: c.1607A>T on transcript NM_001903.5 (MANE Select); coding-DNA position 1607, A replaced by T.
Protein change: p.Asp536Val; replaces aspartic acid 536 with valine.
Molecular consequence: missense variant.
Genome position (GRCh38, 1-based): chr5:138,924,570, A>T. VCF-style: chr5-138924570-A-T. GRCh37 (hg19) VCF-style: chr5-138260259-A-T.
Other names: c.1607A>T, p.Asp536Val (NM_001290307.3, NM_001323982.2, NM_001323983.1 and 2 more transcripts); c.1298A>T, p.Asp433Val (NM_001290309.3); c.1238A>T, p.Asp413Val (NM_001290310.3); c.497A>T, p.Asp166Val (NM_001290312.1, NM_001323990.1, NM_001323991.1 and 17 more transcripts); c.1514A>T, p.Asp505Val (NM_001323986.2); c.158A>T, p.Asp53Val (NM_001324006.1, NM_001324007.1, NM_001324008.1 and 2 more transcripts); c.404A>T, p.Asp135Val (NM_001324011.1); c.254A>T, p.Asp85Val (NM_001324012.1, NM_001324013.1); short protein forms D433V, D135V, D166V, D536V, D53V, D413V, D505V, D85V.
Identifiers: ClinVar variation 3270097 (VCV003270097.1).

ClinVar aggregate classification (germline): Uncertain significance (1 of 4 stars; one submission).

Conditions:
Hereditary cancer-predisposing syndrome. Also called: Tumor predisposition; Hereditary Cancer Syndrome; Hereditary neoplastic syndrome; Neoplastic Syndromes, Hereditary. Identifiers: Orphanet 140162, MedGen C0027672, MeSH D009386, MONDO:0015356.

Submission:

Ambry Genetics
Classification: Uncertain significance for Hereditary cancer-predisposing syndrome. Last evaluated: 2024-04-24. Review status: criteria provided, single submitter. Criteria: Ambry Variant Classification Scheme 2023. Collection method: clinical testing. Allele origin: germline.
Comment: The p.D536V variant (also known as c.1607A>T), located in coding exon 11 of the CTNNA1 gene, results from an A to T substitution at nucleotide position 1607. The aspartic acid at codon 536 is replaced by valine, an amino acid with highly dissimilar properties. This amino acid position is conserved. In addition, this alteration is predicted to be deleterious by in silico analysis. Based on the available evidence, the clinical significance of this variant remains unclear.